The following is an entry in ClinVar:

NM_000719.7(CACNA1C):c.1783G>A (p.Val595Ile)

Gene: CACNA1C (calcium voltage-gated channel subunit alpha1 C; plus strand). Cytogenetic location: 12p13.33.
Variant type: single nucleotide variant.
Coding change: c.1783G>A on transcript NM_000719.7 (MANE Select); coding-DNA position 1783, G replaced by A.
Protein change: p.Val595Ile; replaces valine 595 with isoleucine.
Molecular consequence: missense variant.
Genome position (GRCh38, 1-based): chr12:2,567,682, G>A. VCF-style: chr12-2567682-G-A. GRCh37 (hg19) VCF-style: chr12-2676848-G-A.
Other names: p.V595I:GTC>ATC; p.Val595Ile; c.1783G>A, p.Val595Ile (NM_001129827.2, NM_001129829.2, NM_001129830.3 and 18 more transcripts); c.1774G>A, p.Val592Ile (NM_001129844.2); short protein forms V595I, V592I.
Identifiers: ClinVar variation 190611 (VCV000190611.34), dbSNP rs201392574, ClinGen allele CA301096.

ClinVar aggregate classification (germline): Conflicting classifications of pathogenicity. Review status: criteria provided, conflicting classifications (1 of 4 stars). 7 submissions from 7 submitters: Uncertain significance (1); Benign (1); Likely benign (4). 1 of the submissions does not count toward it. Last evaluated 2025-12-09.

Conditions:
CACNA1C-related disorder. Also called: CACNA1C-related disorders; CACNA1C-related condition. Identifiers: MedGen CN381092, MONDO:0700321.
Cardiovascular phenotype. Identifiers: MedGen CN230736.
Long QT syndrome (LQTS). Identifiers: MedGen C0023976, MeSH D008133, MONDO:0002442. Disease mechanism: loss of function. Inheritance: Various modes of inheritance.

Allele frequency attached by ClinVar (database versions not stated): TOPMed 0.00008; ESP Exome Variant Server 0.00015; gnomAD exomes 0.00018 and 0.00010; ExAC 0.00025; gnomAD 0.00018; 1000 Genomes Project 0.00040; 1000 Genomes Project 30x 0.00031.
gnomAD v4.1: 177 of 1,613,664 alleles (0.011%); highest among the groups gnomAD compares: South Asian, 0.018%; no homozygotes.

Submissions (7):

Labcorp Genetics (formerly Invitae), Labcorp
Classification: Likely benign for Long QT syndrome. Last evaluated: 2025-12-09. Review status: criteria provided, single submitter. Criteria: Invitae Variant Classification Sherloc (09022015). Collection method: clinical testing. Allele origin: germline.

Laboratory of Genetics, Children's Clinical University Hospital Latvia
Classification: Likely benign. Last evaluated: 2025-02-16. Review status: criteria provided, single submitter. Criteria: ACMG Guidelines, 2015. Collection method: clinical testing. Allele origin: germline. Affected: yes.

Mayo Clinic Laboratories, Mayo Clinic
Classification: Benign. Last evaluated: 2024-11-01. Review status: criteria provided, single submitter. Criteria: ACMG Guidelines, 2015. Collection method: clinical testing. Allele origin: germline. Observed: 1 variant allele.
Comment: BS1, BP4_strong

Blueprint Genetics
Classification: Likely benign. Last evaluated: 2024-09-25. Review status: criteria provided, single submitter. Criteria: ACMG Guidelines, 2015. Collection method: clinical testing. Allele origin: germline.

GeneDx
Classification: Uncertain significance. Last evaluated: 2019-11-15. Review status: criteria provided, single submitter. Criteria: GeneDx Variant Classification Process June 2021. Collection method: clinical testing. Allele origin: germline. Affected: yes.
Comment: Has not been previously published as pathogenic or benign to our knowledge; Reported in ClinVar as a variant of uncertain significance and a likely benign variant (ClinVar Variant ID 190611; Landrum et al., 2016); In silico analysis, which includes protein predictors and evolutionary conservation, supports that this variant does not alter protein structure/function

Ambry Genetics
Classification: Likely benign for Cardiovascular phenotype. Last evaluated: 2019-01-14. Review status: criteria provided, single submitter. Criteria: Ambry Variant Classification Scheme 2023. Collection method: clinical testing. Allele origin: germline.

PreventionGenetics, part of Exact Sciences
Classification: Uncertain significance for CACNA1C-related condition. Last evaluated: 2024-02-14. Review status: no assertion criteria provided. Collection method: clinical testing. Allele origin: germline. Not counted in ClinVar's aggregate classification.
Comment: The CACNA1C c.1783G>A variant is predicted to result in the amino acid substitution p.Val595Ile. To our knowledge, this variant has not been reported in the literature. This variant is reported in 0.088% of alleles in individuals of European (Finnish) descent in gnomAD. At this time, the clinical significance of this variant is uncertain due to the absence of conclusive functional and genetic evidence.